The following is an entry in ClinVar:

ClinVar aggregate classification (germline): Pathogenic (1 of 4 stars; one submission).

Conditions:
Hereditary cancer-predisposing syndrome. Also called: Tumor predisposition; Neoplastic Syndromes, Hereditary; Hereditary Cancer Syndrome; Hereditary neoplastic syndrome. Identifiers: Orphanet 140162, MedGen C0027672, MeSH D009386, MONDO:0015356.

Submission:

Ambry Genetics
Classification: Pathogenic for Hereditary cancer-predisposing syndrome. Last evaluated: 2024-11-05. Review status: criteria provided, single submitter. Criteria: Ambry Variant Classification Scheme 2023. Collection method: clinical testing. Allele origin: germline.
Comment: The c.211delG pathogenic mutation, located in coding exon 1 of the CDKN1B gene, results from a deletion of one nucleotide at nucleotide position 211, causing a translational frameshift with a predicted alternate stop codon (p.E71Rfs*48). This variant is considered to be rare based on population cohorts in the Genome Aggregation Database (gnomAD). This alteration is expected to result in loss of function by premature protein truncation or nonsense-mediated mRNA decay. As such, this alteration is interpreted as a disease-causing mutation.

NM_004064.5(CDKN1B):c.211del (p.Glu71fs)

Gene: CDKN1B (cyclin dependent kinase inhibitor 1B; plus strand). Cytogenetic location: 12p13.1.
Variant type: Deletion.
Coding change: c.211del on transcript NM_004064.5 (MANE Select); coding-DNA position 211, one base deleted (G; older notation c.211delG).
Protein change: p.Glu71fs; shifts the reading frame from glutamic acid 71.
Molecular consequence: frameshift variant.
Genome position (GRCh38, 1-based): chr12:12,718,050, G deleted. VCF-style (leftmost placement, unchanged base first): chr12-12718049-AG-A. GRCh37 (hg19) VCF-style: chr12-12870983-AG-A.
Other names: short protein forms E71fs.
Identifiers: ClinVar variation 3489639 (VCV003489639.1).